The following is an entry in ClinVar:

ClinVar aggregate classification (germline): Uncertain significance. Review status: criteria provided, multiple submitters, no conflicts (2 of 4 stars). 2 submissions from 2 submitters: Uncertain significance (2). Last evaluated 2026-02-05.

Conditions:
Mitochondrial complex II deficiency, nuclear type 1. Also called: SUCCINATE CoQ REDUCTASE DEFICIENCY. Identifiers: Orphanet 3208, MedGen C5700310, MONDO:0100294, OMIM 252011.
Pheochromocytoma/paraganglioma syndrome 5. Also called: Paragangliomas 5; SDHA-Related Hereditary Paraganglioma-Pheochromocytoma Syndrome. Identifiers: Orphanet 29072, MedGen C3279992, MONDO:0013602, OMIM 614165.
Hereditary cancer-predisposing syndrome. Also called: Tumor predisposition; Hereditary neoplastic syndrome; Neoplastic Syndromes, Hereditary; Hereditary Cancer Syndrome. Identifiers: Orphanet 140162, MedGen C0027672, MeSH D009386, MONDO:0015356.

Allele frequency attached by ClinVar (database versions not stated): gnomAD 0.00001; gnomAD exomes 0.00001 and 0.00002; ExAC 0.00003.

Submissions (2):

Ambry Genetics
Classification: Uncertain significance for Hereditary cancer-predisposing syndrome. Last evaluated: 2026-02-05. Review status: criteria provided, single submitter. Criteria: Ambry Variant Classification Scheme 2023. Collection method: clinical testing. Allele origin: germline.
Comment: The p.P404S variant (also known as c.1210C>T), located in coding exon 9 of the SDHA gene, results from a C to T substitution at nucleotide position 1210. The proline at codon 404 is replaced by serine, an amino acid with similar properties. This amino acid position is highly conserved in available vertebrate species. In addition, this alteration is predicted to be deleterious by in silico analysis. Based on the available evidence, the clinical significance of this variant remains unclear.

Labcorp Genetics (formerly Invitae), Labcorp
Classification: Uncertain significance for Pheochromocytoma/paraganglioma syndrome 5; Mitochondrial complex II deficiency, nuclear type 1. Last evaluated: 2025-10-13. Review status: criteria provided, single submitter. Criteria: Invitae Variant Classification Sherloc (09022015). Collection method: clinical testing. Allele origin: germline.
Comment: This sequence change replaces proline, which is neutral and non-polar, with serine, which is neutral and polar, at codon 404 of the SDHA protein (p.Pro404Ser). This variant is present in population databases (rs769936006, gnomAD 0.004%). This variant has not been reported in the literature in individuals affected with SDHA-related conditions. ClinVar contains an entry for this variant (Variation ID: 1003229). Invitae Evidence Modeling of protein sequence and biophysical properties (such as structural, functional, and spatial information, amino acid conservation, physicochemical variation, residue mobility, and thermodynamic stability) has been performed for this missense variant. However, the output from this modeling did not meet the statistical confidence thresholds required to predict the impact of this variant on SDHA protein function. In summary, the available evidence is currently insufficient to determine the role of this variant in disease. Therefore, it has been classified as a Variant of Uncertain Significance.

NM_004168.4(SDHA):c.1210C>T (p.Pro404Ser)

Gene: SDHA (succinate dehydrogenase complex flavoprotein subunit A; plus strand). Cytogenetic location: 5p15.33.
Variant type: single nucleotide variant.
Coding change: c.1210C>T on transcript NM_004168.4 (MANE Select); coding-DNA position 1210, C replaced by T.
Protein change: p.Pro404Ser; replaces proline 404 with serine.
Molecular consequence: missense variant.
Genome position (GRCh38, 1-based): chr5:235,289, C>T. VCF-style: chr5-235289-C-T. GRCh37 (hg19) VCF-style: chr5-235404-C-T.
Other names: c.1066C>T, p.Pro356Ser (NM_001294332.2); c.1210C>T, p.Pro404Ser (NM_001330758.2); c.1210C>T (NM_004168.2); short protein forms P356S, P404S.
Identifiers: ClinVar variation 1003229 (VCV001003229.11), dbSNP rs769936006, ClinGen allele CA3173139.